The following is an entry in ClinVar:

NM_000051.4(ATM):c.901+10A>T

Gene: ATM (ATM serine/threonine kinase; plus strand). Cytogenetic location: 11q22.3.
Variant type: single nucleotide variant.
Coding change: c.901+10A>T on transcript NM_000051.4 (MANE Select); 10 bases into the intron after coding-DNA position 901, A replaced by T.
Molecular consequence: intron variant.
Genome position (GRCh38, 1-based): chr11:108,245,036, A>T. VCF-style: chr11-108245036-A-T. GRCh37 (hg19) VCF-style: chr11-108115763-A-T.
Other names: c.901+10A>T (NM_000051.3, NM_001351834.2).
Identifiers: ClinVar variation 1501795 (VCV001501795.10), dbSNP rs2135244818, ClinGen allele CA2573146505.

ClinVar aggregate classification (germline): Uncertain significance. Review status: criteria provided, multiple submitters, no conflicts (2 of 4 stars). 2 submissions from 2 submitters: Uncertain significance (2). Last evaluated 2023-03-18.

Conditions:
Ataxia-telangiectasia syndrome (AT). Also called: Cerebello-oculocutaneous telangiectasia; Immunodeficiency with ataxia telangiectasia; AT, COMPLEMENTATION GROUP C; ATAXIA-TELANGIECTASIA, COMPLEMENTATION GROUP A; ATAXIA-TELANGIECTASIA, FRESNO VARIANT; LOUIS-BAR SYNDROME. Identifiers: Orphanet 100, MedGen C0004135, MONDO:0008840, OMIM 208900.
Hereditary cancer-predisposing syndrome. Also called: Tumor predisposition; Hereditary neoplastic syndrome; Neoplastic Syndromes, Hereditary; Hereditary Cancer Syndrome. Identifiers: Orphanet 140162, MedGen C0027672, MeSH D009386, MONDO:0015356.

Submissions (2):

Ambry Genetics
Classification: Uncertain significance for Hereditary cancer-predisposing syndrome. Last evaluated: 2023-03-18. Review status: criteria provided, single submitter. Criteria: Ambry General Variant Classification Scheme_2022. Collection method: clinical testing. Allele origin: germline.
Comment: The c.901+10A>T intronic variant results from an A to T substitution 10 nucleotides after coding exon 6 in the ATM gene. This nucleotide position is well conserved in available vertebrate species. In silico splice site analysis predicts that this alteration will result in the creation or strengthening of a novel splice donor site; however, direct evidence is insufficient at this time (Ambry internal data). Since supporting evidence is limited at this time, the clinical significance of this alteration remains unclear.

Labcorp Genetics (formerly Invitae), Labcorp
Classification: Uncertain significance for Ataxia-telangiectasia syndrome. Last evaluated: 2022-07-21. Review status: criteria provided, single submitter. Criteria: Invitae Variant Classification Sherloc (09022015). Collection method: clinical testing. Allele origin: germline.
Comment: This sequence change falls in intron 7 of the ATM gene. It does not directly change the encoded amino acid sequence of the ATM protein. This variant is not present in population databases (gnomAD no frequency). This variant has not been reported in the literature in individuals affected with ATM-related conditions. ClinVar contains an entry for this variant (Variation ID: 1501795). Algorithms developed to predict the effect of sequence changes on RNA splicing suggest that this variant may create or strengthen a splice site. In summary, the available evidence is currently insufficient to determine the role of this variant in disease. Therefore, it has been classified as a Variant of Uncertain Significance.